The following is an entry in ClinVar:

ClinVar aggregate classification (germline): Likely pathogenic (1 of 4 stars; one submission).

Conditions:
Amyotrophic lateral sclerosis type 1 (ALS1). Also called: AMYOTROPHIC LATERAL SCLEROSIS 1, FAMILIAL. Identifiers: Orphanet 803, MedGen C1862939, MONDO:0007103, OMIM 105400.

Submission:

Molecular Genetics, Royal Melbourne Hospital
Classification: Likely pathogenic for Amyotrophic lateral sclerosis type 1. Last evaluated: 2023-04-11. Review status: criteria provided, single submitter. Criteria: ACMG Guidelines, 2015. Collection method: clinical testing. Allele origin: germline. Affected: yes.
Comment: This sequence change in SOD1 is predicted to replace isoleucine with serine at codon 150, p.(Ile150Ser). The isoleucine residue is highly conserved (100 vertebrates, UCSC), and is located in Sod Cu domain. There is a large physicochemical difference between isoleucine and serine. This variant is absent from the population database gnomAD v2.1 and v3.1. To our knowledge, this variant has not been reported in the relevant scientific literature or databases. In vitro function assays in mammalian cells demonstrate the variant leads to protein aggregation and destabilisation and reduces cell viability indicating that this variant impacts protein function (McAlary et al, unpublished data). Computational evidence predicts a deleterious effect for the missense substitution (REVEL = 0.977). Another missense variant c.449T>C, p.(Ile150Thr) in the same codon has been classified as pathogenic for amyotrophic lateral sclerosis (ClinVar ID: 1455194). Based on the classification scheme RMH Modified ACMG/AMP Guidelines v1.6.1, this variant is classified as LIKELY PATHOGENIC Following criteria are met: PM5, PP3_Moderate, PS3_Supporting, PM2_Supporting.

NM_000454.5(SOD1):c.449T>G (p.Ile150Ser)

Gene: SOD1 (superoxide dismutase 1; plus strand). Cytogenetic location: 21q22.11.
Variant type: single nucleotide variant.
Coding change: c.449T>G on transcript NM_000454.5 (MANE Select); coding-DNA position 449, T replaced by G.
Protein change: p.Ile150Ser; replaces isoleucine 150 with serine.
Molecular consequence: missense variant.
Genome position (GRCh38, 1-based): chr21:31,668,562, T>G. VCF-style: chr21-31668562-T-G. GRCh37 (hg19) VCF-style: chr21-33040875-T-G.
Other names: short protein forms I150S.
Identifiers: ClinVar variation 3068571 (VCV003068571.1), dbSNP rs1424014997, ClinGen allele CA410037828.
Genomic context (GRCh38, chr21:31,668,562, plus strand): 5'-GTGGAAATGAAGAAAGTACAAAGACAGGAAACGCTGGAAGTCGTTTGGCTTGTGGTGTAA[T>G]TGGGATCGCCCAATAAACATTCCCTTGGATGTAGTCTGAGGCCCCTTAACTCATCTGTTA-3'
Protein context (NP_000445.1, residues 140-154): NAGSRLACGV[Ile150Ser]GIAQ